The following is an entry in ClinVar:

ClinVar aggregate classification (germline): Pathogenic. Review status: criteria provided, multiple submitters, no conflicts (2 of 4 stars). 10 submissions from 10 submitters: Pathogenic (8). 2 of the submissions do not count toward it. Last evaluated 2025-03-30.

Conditions:
CHD7-related disorder. Also called: CHD7-related condition.
CHARGE syndrome (CHARGE). Also called: Hittner Hirsch Kreh syndrome; Coloboma, heart anomaly, choanal atresia, retardation, genital and ear anomalies; CHARGE association; Hall-Hittner syndrome; CHARGE ASSOCIATION--COLOBOMA, HEART ANOMALY, CHOANAL ATRESIA, RETARDATION, GENITAL AND EAR ANOMALIES. Identifiers: Orphanet 138, MedGen C0265354, MONDO:0008965.

Submissions (10):

PreventionGenetics, part of Exact Sciences
Classification: Pathogenic for CHD7-related condition. Last evaluated: 2025-03-30. Review status: criteria provided, single submitter. Criteria: ACMG Guidelines, 2015. Collection method: clinical testing. Allele origin: germline.
Comment: The CHD7 c.6079C>T variant is predicted to result in premature protein termination (p.Arg2027*). This variant has been reported as de novo in multiple individuals with CHARGE syndrome (see example: Jongmans et al. 2006. PubMed ID: 16155193; Downie et al. 2020. PubMed ID: 31827275; Moccia et al. 2018. PubMed ID: 29300383).This variant has not been reported in a large population database (gnomAD), indicating this variant is rare. Nonsense variants in CHD7 are expected to be pathogenic. This variant is interpreted as pathogenic.

GeneDx
Classification: Pathogenic. Last evaluated: 2025-02-18. Review status: criteria provided, single submitter. Criteria: GeneDx Variant Classification Process June 2021. Collection method: clinical testing. Allele origin: germline. Affected: yes.
Comment: Nonsense variant predicted to result in protein truncation or nonsense mediated decay in a gene for which loss of function is a known mechanism of disease; Not observed at significant frequency in large population cohorts (gnomAD); Approximately 45% of CHD7 pathogenic variants are nonsense changes (PMID: 22461308, 20186815, 20591827); This variant is associated with the following publications: (PMID: 27061523, 29300383, 34694888, 25525159, 16155193, 22461308, 21158681, 23333604, 32625235, 31827275, 20186815, 20591827)

Clinical Genetics Laboratory, Skane University Hospital Lund
Classification: Pathogenic. Last evaluated: 2022-05-27. Review status: criteria provided, single submitter. Criteria: ACMG Guidelines, 2015. Collection method: clinical testing. Allele origin: germline. Affected: yes.

Dasa
Classification: Pathogenic for CHARGE syndrome. Last evaluated: 2022-01-05. Review status: criteria provided, single submitter. Criteria: ACMG Guidelines, 2015. Collection method: clinical testing. Allele origin: germline. Affected: yes. Observed: 1 variant allele.
Comment: The c.6079C>T;p.(Arg2027*) variant creates a premature translational stop signal in the CHD7 gene. It is expected to result in an absent or disrupted protein product -PVS1. This sequence change has been observed in affected individual(s) and ClinVar contains an entry for this variant (ClinVar ID: 267435; PMID: 16155193; 27061523; 29300383) - PS4. This variant is not present in population databases (rs886040995, gnomAD; ABraOM no frequency) - PM2. The variant was assumed de novo, but without confirmation of paternity and maternity (PMID: 16155193, 27061523, 29300383) - PM6. In summary, the currently available evidence indicates that the variant is pathogenic.

Labcorp Genetics (formerly Invitae), Labcorp
Classification: Pathogenic for CHARGE syndrome. Last evaluated: 2020-11-16. Review status: criteria provided, single submitter. Criteria: Invitae Variant Classification Sherloc (09022015). Collection method: clinical testing. Allele origin: germline.
Comment: This sequence change creates a premature translational stop signal (p.Arg2027*) in the CHD7 gene. It is expected to result in an absent or disrupted protein product. This variant is not present in population databases (ExAC no frequency). This variant has been reported de novo in individuals affected with CHARGE (PMID: 16155193, 22461308, 27061523). ClinVar contains an entry for this variant (Variation ID: 267435). Loss-of-function variants in CHD7 are known to be pathogenic (PMID: 22461308, 25077900). For these reasons, this variant has been classified as Pathogenic.

Victorian Clinical Genetics Services, Murdoch Childrens Research Institute
Classification: Pathogenic for CHD7-related CHARGE syndrome. Last evaluated: 2018-04-26. Review status: criteria provided, single submitter. Criteria: ACMG Guidelines, 2015. Collection method: clinical testing. Allele origin: unknown. Affected: yes.
Comment: A heterozygous nonsense variant, NM_017780.3(CHD7):c.6079C>T, has been identified in exon 30 of 38 in the CHD7 gene. The variant is predicted to result in a premature stop codon at position 2027 of the protein, NP_060250.2(CHD7):p.(Arg2027*). The variant is predicted to result in loss of protein function either through truncation (downstream functional domains would be affected) or nonsense-mediated decay, which is a reported mechanism of pathogenicity for this gene. The variant is absent in population databases (gnomAD, dbSNP, 1000G) and has been previously described as pathogenic in multiple individuals with CHARGE syndrome (ClinVar, Jongmans et al., (2016), Busa et al., (2016)). Based on the information available at the time of curation, this variant has been classified as PATHOGENIC.

Genomic Diagnostic Laboratory, Division of Genomic Diagnostics, Children's Hospital of Philadelphia
Classification: Pathogenic for CHARGE syndrome. Last evaluated: 2016-09-05. Review status: criteria provided, single submitter. Criteria: DGD Variant Analysis Guidelines. Collection method: clinical testing. Allele origin: germline. Affected: yes. Observed: 1 variant allele.
Comment: Clinical Testing

Broad Center for Mendelian Genomics, Broad Institute of MIT and Harvard
Classification: Pathogenic for CHD7-related CHARGE syndrome. Review status: criteria provided, single submitter. Criteria: ACMG Guidelines, 2015. Collection method: research. Allele origin: germline. Inheritance: Autosomal dominant inheritance. Affected: yes. Observed: 1 variant allele, 1 heterozygote. Study: Broad Institute Center for Mendelian Genomics (CMG).
Comment: The p.Arg227Ter variant is believed to be pathogenic based on numberous reports by other laboratories in the literature and databases.

Sbielas Lab-Department of Human Genetics University of Michigan, University of Michigan Medical School
Classification: Pathogenic for CHD7-related CHARGE syndrome. Last evaluated: 2017-10-27. Review status: no assertion criteria provided. Collection method: research. Allele origin: de novo. Affected: yes. Not counted in ClinVar's aggregate classification.

University of Washington Center for Mendelian Genomics, University of Washington
Classification: Likely pathogenic for CHARGE syndrome. Review status: no assertion criteria provided. Collection method: research. Allele origin: de novo. Affected: yes. Not counted in ClinVar's aggregate classification.

Literature cited by the submitters: PubMed 16155193 (cited by Dasa and Labcorp Genetics (formerly Invitae), Labcorp); PubMed 27061523 (cited by Dasa and Labcorp Genetics (formerly Invitae), Labcorp); PubMed 29300383 (cited by 3 submitters); PubMed 22461308 (cited by Labcorp Genetics (formerly Invitae), Labcorp); PubMed 25077900 (cited by Labcorp Genetics (formerly Invitae), Labcorp).

NM_017780.4(CHD7):c.6079C>T (p.Arg2027Ter)

Gene: CHD7 (chromodomain helicase DNA binding protein 7; plus strand). Cytogenetic location: 8q12.2.
Variant type: single nucleotide variant.
Coding change: c.6079C>T on transcript NM_017780.4 (MANE Select); coding-DNA position 6079, C replaced by T.
Protein change: p.Arg2027Ter; replaces arginine 2027 with a stop codon.
Molecular consequence: nonsense. On other transcripts: intron variant (1).
Genome position (GRCh38, 1-based): chr8:60,852,682, C>T. VCF-style: chr8-60852682-C-T. GRCh37 (hg19) VCF-style: chr8-61765241-C-T.
Other names: c.6079C>T (LRG_176t1); c.1717-9547C>T (NM_001316690.1); short protein forms R2027*.
Identifiers: ClinVar variation 267435 (VCV000267435.24), dbSNP rs886040995, ClinGen allele CA10602502.
Genomic context (GRCh38, chr8:60,852,682, plus strand): 5'-TCTGATGAGAGTTTGGAGAAATACTTCAGTTGTTTTGTGGCCATGTGTAGGCGAGTATGT[C>T]GAATGCCCGTCAAGCCAGATGATGGTAGGTACATTTAGCAACAAAGTTCTATACAAAAAG-3'